The following is an entry in ClinVar:

NM_001205293.3(CACNA1E):c.5759A>G (p.Tyr1920Cys)

Gene: CACNA1E (calcium voltage-gated channel subunit alpha1 E; plus strand). Cytogenetic location: 1q25.3.
Variant type: single nucleotide variant.
Coding change: c.5759A>G on transcript NM_001205293.3 (MANE Select); coding-DNA position 5759, A replaced by G.
Protein change: p.Tyr1920Cys; replaces tyrosine 1920 with cysteine.
Molecular consequence: missense variant.
Genome position (GRCh38, 1-based): chr1:181,785,792, A>G. VCF-style: chr1-181785792-A-G. GRCh37 (hg19) VCF-style: chr1-181754928-A-G.
Other names: c.5759A>G, p.Tyr1920Cys (NM_000721.4); c.5702A>G, p.Tyr1901Cys (NM_001205294.2); short protein forms Y1901C, Y1920C.
Identifiers: ClinVar variation 4057123 (VCV004057123.1).

ClinVar aggregate classification (germline): Uncertain significance (1 of 4 stars; one submission).

Submission:

GeneDx
Classification: Uncertain significance. Last evaluated: 2025-01-09. Review status: criteria provided, single submitter. Criteria: GeneDx Variant Classification Process June 2021. Collection method: clinical testing. Allele origin: germline. Affected: yes.
Comment: Not observed at significant frequency in large population cohorts (gnomAD); In silico analysis supports that this missense variant has a deleterious effect on protein structure/function; Has not been previously published as pathogenic or benign to our knowledge